The following is an entry in ClinVar:

ClinVar aggregate classification (germline): Uncertain significance (1 of 4 stars; one submission).

Conditions:
Muscle AMP deaminase deficiency (MMDD). Also called: Adenosine monophosphate deaminase 1 deficiency; AMP deaminase 1 deficiency; Adenosine Monophosphate Deaminase 1; Myoadenylate deaminase deficiency, myopathy due to; AMPD1 DEFICIENCY; ADENOSINE MONOPHOSPHATE DEAMINASE-1 DEFICIENCY, MYOPATHY DUE TO. Identifiers: Orphanet 45, MedGen C3714933, MONDO:0014220, OMIM 615511.

Allele frequency attached by ClinVar (database versions not stated): gnomAD exomes below 0.00001.

Submission:

Labcorp Genetics (formerly Invitae), Labcorp
Classification: Uncertain significance for Muscle AMP deaminase deficiency. Last evaluated: 2021-12-02. Review status: criteria provided, single submitter. Criteria: Invitae Variant Classification Sherloc (09022015). Collection method: clinical testing. Allele origin: germline.
Comment: In summary, the available evidence is currently insufficient to determine the role of this variant in disease. Therefore, it has been classified as a Variant of Uncertain Significance. Algorithms developed to predict the effect of missense changes on protein structure and function are either unavailable or do not agree on the potential impact of this missense change (SIFT: "Tolerated"; PolyPhen-2: "Possibly Damaging"; Align-GVGD: "Class C0"). This variant has not been reported in the literature in individuals affected with AMPD1-related conditions. This variant is not present in population databases (gnomAD no frequency). This sequence change replaces serine, which is neutral and polar, with proline, which is neutral and non-polar, at codon 392 of the AMPD1 protein (p.Ser392Pro).

NM_000036.3(AMPD1):c.1075T>C (p.Ser359Pro)

Gene: AMPD1 (adenosine monophosphate deaminase 1; minus strand). Cytogenetic location: 1p13.2.
Variant type: single nucleotide variant.
Coding change: c.1075T>C on transcript NM_000036.3 (MANE Select); coding-DNA position 1075, T replaced by C.
Protein change: p.Ser359Pro; replaces serine 359 with proline.
Molecular consequence: missense variant.
Genome position (GRCh38, 1-based): chr1:114,678,350, A>G on the plus strand (T>C on the coding strand, the complement: AMPD1 is on the minus strand). VCF-style: chr1-114678350-A-G. GRCh37 (hg19) VCF-style: chr1-115220971-A-G.
Other names: c.1063T>C, p.Ser355Pro (NM_001172626.2); short protein forms S355P, S359P.
Identifiers: ClinVar variation 2027005 (VCV002027005.4), dbSNP rs1658061187, ClinGen allele CA341749307.